The following is an entry in ClinVar:

NM_005560.6(LAMA5):c.9225G>A (p.Pro3075=)

Gene: LAMA5 (laminin subunit alpha 5; minus strand). Cytogenetic location: 20q13.33.
Variant type: single nucleotide variant.
Coding change: c.9225G>A on transcript NM_005560.6 (MANE Select); coding-DNA position 9225, G replaced by A.
Protein change: p.Pro3075=; no amino-acid change (proline 3075 retained).
Molecular consequence: synonymous variant.
Genome position (GRCh38, 1-based): chr20:62,312,634, C>T on the plus strand (G>A on the coding strand, the complement: LAMA5 is on the minus strand). VCF-style: chr20-62312634-C-T. GRCh37 (hg19) VCF-style: chr20-60887690-C-T.
Other names: c.9225G>A (NM_005560.4).
Identifiers: ClinVar variation 2882586 (VCV002882586.5), dbSNP rs201429053, ClinGen allele CA9940380.
Genomic context (GRCh38, chr20:62,312,634, plus strand): 5'-GCCCAGCCTACCGCCCCAACAGCCTGGCCTCGGAGCCCCAGCTGCGCACAGTGCTTACCT[C>T]GGGGGCAGCTGGTCGGGCGGCACGCCCCCCAGGTAGTAGGCGTCGGCCAGCTCCAGATCA-3'
Protein context (NP_005551.3, residues 3065-3085): LGGVPPDQLP[Pro3075=]SLRRLFPTGG

ClinVar aggregate classification (germline): Likely benign. Review status: criteria provided, single submitter (1 of 4 stars). 2 submissions from 2 submitters: Likely benign (1). 1 of the submissions does not count toward it. Last evaluated 2025-07-20.

Conditions:
LAMA5-related disorder. Also called: LAMA5-related condition; LAMA5-Related Disorders.

Allele frequency attached by ClinVar (database versions not stated): 1000 Genomes Project 0.00080; TOPMed 0.00008; gnomAD 0.00009; ExAC 0.00020; 1000 Genomes Project 30x 0.00062; gnomAD exomes 0.00019.
gnomAD v4.1: 282 of 1,605,440 alleles (0.018%); highest among the groups gnomAD compares: East Asian, 0.45%; no homozygotes.

Submissions (2):

Labcorp Genetics (formerly Invitae), Labcorp
Classification: Likely benign. Last evaluated: 2025-07-20. Review status: criteria provided, single submitter. Criteria: Invitae Variant Classification Sherloc (09022015). Collection method: clinical testing. Allele origin: germline.

PreventionGenetics, part of Exact Sciences
Classification: Likely benign for LAMA5-related condition. Last evaluated: 2019-07-02. Review status: no assertion criteria provided. Collection method: clinical testing. Allele origin: germline. Not counted in ClinVar's aggregate classification.
Comment: This variant is classified as likely benign based on ACMG/AMP sequence variant interpretation guidelines (Richards et al. 2015 PMID: 25741868, with internal and published modifications).